The following is an entry in ClinVar:

ClinVar aggregate classification (germline): Uncertain significance (1 of 4 stars; one submission).

Allele frequency attached by ClinVar (database versions not stated): gnomAD exomes below 0.00001; gnomAD 0.00001; TOPMed 0.00003.
gnomAD v4.1: 6 of 1,613,926 alleles (0.00037%); highest among the groups gnomAD compares: Admixed American, 0.0017%; no homozygotes.

Submission:

Labcorp Genetics (formerly Invitae), Labcorp
Classification: Uncertain significance. Last evaluated: 2022-07-23. Review status: criteria provided, single submitter. Criteria: Invitae Variant Classification Sherloc (09022015). Collection method: clinical testing. Allele origin: germline.
Comment: This sequence change falls in intron 47 of the MYO7A gene. It does not directly change the encoded amino acid sequence of the MYO7A protein. It affects a nucleotide within the consensus splice site. This variant is present in population databases (no rsID available, gnomAD 0.003%). This variant has not been reported in the literature in individuals affected with MYO7A-related conditions. ClinVar contains an entry for this variant (Variation ID: 1419697). Variants that disrupt the consensus splice site are a relatively common cause of aberrant splicing (PMID: 17576681, 9536098). Algorithms developed to predict the effect of sequence changes on RNA splicing suggest that this variant is not likely to affect RNA splicing. In summary, the available evidence is currently insufficient to determine the role of this variant in disease. Therefore, it has been classified as a Variant of Uncertain Significance.

Literature cited by the submitters: PubMed 17576681; PubMed 9536098.

NM_000260.4(MYO7A):c.6439-3C>T

Gene: MYO7A (myosin VIIA; plus strand). Cytogenetic location: 11q13.5.
Variant type: single nucleotide variant.
Coding change: c.6439-3C>T on transcript NM_000260.4 (MANE Select); 3 bases into the intron before coding-DNA position 6439, C replaced by T.
Molecular consequence: intron variant.
Genome position (GRCh38, 1-based): chr11:77,213,857, C>T. VCF-style: chr11-77213857-C-T. GRCh37 (hg19) VCF-style: chr11-76924902-C-T.
Other names: c.6292-3C>T (NM_001369365.1); c.6319-3C>T (NM_001127180.2).
Identifiers: ClinVar variation 1419697 (VCV001419697.3), dbSNP rs1038566394, ClinGen allele CA224829940.
Genomic context (GRCh38, chr11:77,213,857, plus strand): 5'-GTGTGGGCAAGTGAGGCCACAGGGCCCAGGCCGTGCCTCTCTATGCCCTTTCTGCTCCCC[C>T]AGGATATCCTCACCACTCATCCCTTCACCAAGATCTCCAACTGGAGCAGCGGCAACACCT-3'